The following is an entry in ClinVar:

NM_001018005.2(TPM1):c.417A>G (p.Glu139=)

Gene: TPM1 (tropomyosin 1; plus strand). Cytogenetic location: 15q22.2.
Variant type: single nucleotide variant.
Coding change: c.417A>G on transcript NM_001018005.2 (MANE Select); coding-DNA position 417, A replaced by G.
Protein change: p.Glu139=; no amino-acid change (glutamic acid 139 retained).
Molecular consequence: synonymous variant.
Genome position (GRCh38, 1-based): chr15:63,059,605, A>G. VCF-style: chr15-63059605-A-G. GRCh37 (hg19) VCF-style: chr15-63351804-A-G.
Other names: c.417A>G, p.Glu139= (NM_000366.6, NM_001018004.2, NM_001018006.2 and 6 more transcripts); c.309A>G, p.Glu103= (NM_001018008.2, NM_001301289.2, NM_001330344.2 and 5 more transcripts); c.543A>G, p.Glu181= (NM_001365778.1).
Identifiers: ClinVar variation 1542891 (VCV001542891.9), dbSNP rs2140937690, ClinGen allele CA490693039.

ClinVar aggregate classification (germline): Likely benign. Review status: criteria provided, multiple submitters, no conflicts (2 of 4 stars). 3 submissions from 3 submitters: Likely benign (3). Last evaluated 2024-07-20.

Conditions:
Cardiomyopathy (CMYO). Also called: Cardiomyopathies. Identifiers: Orphanet 167848, MedGen C0878544, MONDO:0004994, HP:0001638. Inheritance: Various modes of inheritance.
Hypertrophic cardiomyopathy. Also called: HYPERTROPHIC MYOCARDIOPATHY. Identifiers: Orphanet 217569, MedGen C0007194, MeSH D002312, MONDO:0005045, HP:0001639.

Submissions (3):

All of Us Research Program, National Institutes of Health
Classification: Likely benign for Hypertrophic cardiomyopathy. Last evaluated: 2024-07-20. Review status: criteria provided, single submitter. Criteria: ACMG Guidelines, 2015. Collection method: clinical testing. Allele origin: germline. Inheritance: Autosomal dominant inheritance. Observed: 1 variant allele, 1 heterozygote.
Comment: This study involves interpretation of variants in research participants for the purpose of population health screening. Participant phenotype was not available at the time of variant classification. Additional details can be found in publication PMID: 35346344, PMCID: PMC8962531

Labcorp Genetics (formerly Invitae), Labcorp
Classification: Likely benign for Hypertrophic cardiomyopathy. Last evaluated: 2024-04-29. Review status: criteria provided, single submitter. Criteria: Invitae Variant Classification Sherloc (09022015). Collection method: clinical testing. Allele origin: germline.

Color Diagnostics, LLC DBA Color Health
Classification: Likely benign for Cardiomyopathy. Last evaluated: 2022-11-06. Review status: criteria provided, single submitter. Criteria: ACMG Guidelines, 2015. Collection method: clinical testing. Allele origin: germline.